The following is an entry in ClinVar:

NM_207391.3(RGS9BP):c.550G>A (p.Glu184Lys)

Gene: RGS9BP (regulator of G protein signaling 9 binding protein; plus strand). Cytogenetic location: 19q13.11.
Variant type: single nucleotide variant.
Coding change: c.550G>A on transcript NM_207391.3 (MANE Select); coding-DNA position 550, G replaced by A.
Protein change: p.Glu184Lys; replaces glutamic acid 184 with lysine.
Molecular consequence: missense variant.
Genome position (GRCh38, 1-based): chr19:32,676,813, G>A. VCF-style: chr19-32676813-G-A. GRCh37 (hg19) VCF-style: chr19-33167719-G-A.
Other names: short protein forms E184K.
Identifiers: ClinVar variation 1469342 (VCV001469342.4), dbSNP rs760255703, ClinGen allele CA9357550.

ClinVar aggregate classification (germline): Uncertain significance (1 of 4 stars; one submission).

Allele frequency attached by ClinVar (database versions not stated): TOPMed 0.00001; gnomAD exomes 0.00006; ExAC 0.00018.
gnomAD v4.1: 13 of 1,584,710 alleles (0.00082%); highest among the groups gnomAD compares: Admixed American, 0.021%; no homozygotes.

Submission:

Labcorp Genetics (formerly Invitae), Labcorp
Classification: Uncertain significance. Last evaluated: 2023-07-07. Review status: criteria provided, single submitter. Criteria: Invitae Variant Classification Sherloc (09022015). Collection method: clinical testing. Allele origin: germline.
Comment: This sequence change replaces glutamic acid, which is acidic and polar, with lysine, which is basic and polar, at codon 184 of the RGS9BP protein (p.Glu184Lys). This variant is present in population databases (rs760255703, gnomAD 0.04%). In summary, the available evidence is currently insufficient to determine the role of this variant in disease. Therefore, it has been classified as a Variant of Uncertain Significance. An algorithm developed to predict the effect of missense changes on protein structure and function (PolyPhen-2) suggests that this variant is likely to be disruptive. ClinVar contains an entry for this variant (Variation ID: 1469342). This variant has not been reported in the literature in individuals affected with RGS9BP-related conditions.